The following is an entry in ClinVar:

NM_020975.6(RET):c.1277G>C (p.Cys426Ser)

Gene: RET (ret proto-oncogene; plus strand). Cytogenetic location: 10q11.21.
Variant type: single nucleotide variant.
Coding change: c.1277G>C on transcript NM_020975.6 (MANE Select); coding-DNA position 1277, G replaced by C.
Protein change: p.Cys426Ser; replaces cysteine 426 with serine.
Molecular consequence: missense variant. On other transcripts: intron variant (15).
Genome position (GRCh38, 1-based): chr10:43,111,220, G>C. VCF-style: chr10-43111220-G-C. GRCh37 (hg19) VCF-style: chr10-43606668-G-C.
Other names: c.515G>C, p.Cys172Ser (NM_001355216.2); c.1277G>C, p.Cys426Ser (NM_001406743.1, NM_001406744.1, NM_001406759.1 and 4 more transcripts); c.1148G>C, p.Cys383Ser (NM_001406761.1, NM_001406762.1, NM_001406764.1 and 1 more transcripts); c.989G>C, p.Cys330Ser (NM_001406766.1, NM_001406767.1, NM_001406770.1); c.881G>C, p.Cys294Ser (NM_001406769.1, NM_001406772.1); c.839G>C, p.Cys280Ser (NM_001406771.1, NM_001406773.1); c.752G>C, p.Cys251Ser (NM_001406774.1); c.551G>C, p.Cys184Ser (NM_001406775.1, NM_001406776.1, NM_001406777.1 and 1 more transcripts); and 5 more; short protein forms C172S, C184S, C294S, C330S, C426S, C251S, C383S, C96S.
Identifiers: ClinVar variation 3716093 (VCV003716093.3).
Genomic context (GRCh38, chr10:43,111,220, plus strand): 5'-AGGCCGGTCCAGCTGCCTGGCTAAGGTGTTCCCCTGTGCCCCCCTAGATCGGGAAAGTCT[G>C]TGTGGAAAACTGCCAGGCATTCAGTGGCATCAACGTCCAGTACAAGCTGCATTCCTCTGG-3'
Protein context (NP_066124.1, residues 416-436): ARRFAQIGKV[Cys426Ser]VENCQAFSGI

ClinVar aggregate classification (germline): Uncertain significance. Review status: criteria provided, multiple submitters, no conflicts (2 of 4 stars). 2 submissions from 2 submitters: Uncertain significance (2). Last evaluated 2025-06-16.

Conditions:
Multiple endocrine neoplasia, type 2 (MEN2). Identifiers: Orphanet 653, MedGen C4048306, MONDO:0019003. Disease mechanism: gain of function.
Hereditary cancer-predisposing syndrome. Also called: Tumor predisposition; Hereditary Cancer Syndrome; Hereditary neoplastic syndrome; Neoplastic Syndromes, Hereditary. Identifiers: Orphanet 140162, MedGen C0027672, MeSH D009386, MONDO:0015356.

Submissions (2):

Ambry Genetics
Classification: Uncertain significance for Hereditary cancer-predisposing syndrome. Last evaluated: 2025-06-16. Review status: criteria provided, single submitter. Criteria: Ambry Variant Classification Scheme 2023. Collection method: clinical testing. Allele origin: germline.
Comment: The p.C426S variant (also known as c.1277G>C), located in coding exon 7 of the RET gene, results from a G to C substitution at nucleotide position 1277. The cysteine at codon 426 is replaced by serine, an amino acid with dissimilar properties. This amino acid position is conserved. In addition, the in silico prediction for this alteration is inconclusive. Based on the available evidence, the clinical significance of this variant remains unclear.

Labcorp Genetics (formerly Invitae), Labcorp
Classification: Uncertain significance for Multiple endocrine neoplasia, type 2. Last evaluated: 2024-10-21. Review status: criteria provided, single submitter. Criteria: Invitae Variant Classification Sherloc (09022015). Collection method: clinical testing. Allele origin: germline.
Comment: This sequence change replaces cysteine, which is neutral and slightly polar, with serine, which is neutral and polar, at codon 426 of the RET protein (p.Cys426Ser). This variant is not present in population databases (gnomAD no frequency). This variant has not been reported in the literature in individuals affected with RET-related conditions. An algorithm developed to predict the effect of missense changes on protein structure and function outputs the following: PolyPhen-2: "Probably Damaging". The serine amino acid residue is found in multiple mammalian species, which suggests that this missense change does not adversely affect protein function. In summary, the available evidence is currently insufficient to determine the role of this variant in disease. Therefore, it has been classified as a Variant of Uncertain Significance.